The following is an entry in ClinVar:

ClinVar aggregate classification (germline): Uncertain significance (1 of 4 stars; one submission).

Conditions:
MHC class II deficiency. Also called: Bare lymphocyte syndrome 2; BLS, TYPE II. Identifiers: Orphanet 572, MedGen C5447452, MONDO:0008855.

Submission:

Labcorp Genetics (formerly Invitae), Labcorp
Classification: Uncertain significance for MHC class II deficiency. Last evaluated: 2026-01-05. Review status: criteria provided, single submitter. Criteria: Invitae Variant Classification Sherloc (09022015). Collection method: clinical testing. Allele origin: germline.
Comment: This sequence change replaces arginine, which is basic and polar, with serine, which is neutral and polar, at codon 552 of the CIITA protein (p.Arg552Ser). This variant is not present in population databases (gnomAD no frequency). This variant has not been reported in the literature in individuals affected with CIITA-related conditions. ClinVar contains an entry for this variant (Variation ID: 2098922). An algorithm developed to predict the effect of missense changes on protein structure and function (PolyPhen-2) suggests that this variant is likely to be disruptive. In summary, the available evidence is currently insufficient to determine the role of this variant in disease. Therefore, it has been classified as a Variant of Uncertain Significance.

NM_000246.4(CIITA):c.1654C>A (p.Arg552Ser)

Gene: CIITA (class II major histocompatibility complex transactivator; plus strand). Cytogenetic location: 16p13.13.
Variant type: single nucleotide variant.
Coding change: c.1654C>A on transcript NM_000246.4 (MANE Select); coding-DNA position 1654, C replaced by A.
Protein change: p.Arg552Ser; replaces arginine 552 with serine.
Molecular consequence: missense variant. On other transcripts: intron variant (1).
Genome position (GRCh38, 1-based): chr16:10,907,146, C>A. VCF-style: chr16-10907146-C-A. GRCh37 (hg19) VCF-style: chr16-11001003-C-A.
Other names: c.1657C>A, p.Arg553Ser (NM_001286402.1, NM_001379332.1); c.1510C>A, p.Arg504Ser (NM_001379330.1); c.1507C>A, p.Arg503Ser (NM_001379331.1); c.1654C>A, p.Arg552Ser (NM_001379333.1); c.1585C>A, p.Arg529Ser (NM_001379334.1); c.860-1837C>A (NM_001286403.2); short protein forms R504S, R552S, R553S, R503S, R529S.
Identifiers: ClinVar variation 2098922 (VCV002098922.4), dbSNP rs897543782, ClinGen allele CA394731358.